The following is an entry in ClinVar:

ClinVar aggregate classification (germline): Uncertain significance (1 of 4 stars; one submission).

Conditions:
HNSHA due to aldolase A deficiency (GSD12). Also called: GLYCOGEN STORAGE DISEASE XII; GSD XII; RED CELL ALDOLASE DEFICIENCY; Glycogen storage disease due to aldolase A deficiency. Identifiers: Orphanet 57, MedGen C0272066, MONDO:0012747, OMIM 611881.

Allele frequency attached by ClinVar (database versions not stated): ExAC 0.00001; gnomAD 0.00001; TOPMed 0.00001.
gnomAD v4.1: 17 of 1,614,000 alleles (0.0011%); highest among the groups gnomAD compares: Middle Eastern, 0.066%; no homozygotes.

Submission:

Labcorp Genetics (formerly Invitae), Labcorp
Classification: Uncertain significance for HNSHA due to aldolase A deficiency. Last evaluated: 2022-06-18. Review status: criteria provided, single submitter. Criteria: Invitae Variant Classification Sherloc (09022015). Collection method: clinical testing. Allele origin: germline.
Comment: This sequence change replaces histidine, which is basic and polar, with glutamine, which is neutral and polar, at codon 238 of the ALDOA protein (p.His238Gln). This variant is present in population databases (rs757739728, gnomAD 0.002%). This variant has not been reported in the literature in individuals affected with ALDOA-related conditions. Algorithms developed to predict the effect of missense changes on protein structure and function (SIFT, PolyPhen-2, Align-GVGD) all suggest that this variant is likely to be tolerated. In summary, the available evidence is currently insufficient to determine the role of this variant in disease. Therefore, it has been classified as a Variant of Uncertain Significance.

NM_001243177.4(ALDOA):c.876T>G (p.His292Gln)

Genes: ALDOA (aldolase, fructose-bisphosphate A; plus strand), LOC112694756 (uncharaterized LOC112694756; plus strand). Cytogenetic location: 16p11.2.
Variant type: single nucleotide variant.
Coding change: c.876T>G on transcript NM_001243177.4 (MANE Select); coding-DNA position 876, T replaced by G.
Protein change: p.His292Gln; replaces histidine 292 with glutamine.
Molecular consequence: missense variant. On other transcripts: 3 prime UTR variant (3).
Genome position (GRCh38, 1-based): chr16:30,069,588, T>G. VCF-style: chr16-30069588-T-G. GRCh37 (hg19) VCF-style: chr16-30080909-T-G.
Other names: c.*1223T>G (NM_001365304.2, NM_001365305.2, NM_001365307.2); c.714T>G, p.His238Gln (NM_001127617.2, NM_184041.5, NM_184043.2); short protein forms H238Q, H292Q.
Identifiers: ClinVar variation 2167478 (VCV002167478.3), dbSNP rs757739728, ClinGen allele CA8001105.